The following is an entry in ClinVar:

ClinVar aggregate classification (germline): Uncertain significance. Review status: criteria provided, multiple submitters, no conflicts (2 of 4 stars). 5 submissions from 5 submitters: Uncertain significance (3). 2 of the submissions do not count toward it. Last evaluated 2024-11-03.

Conditions:
Carnitine palmitoyl transferase 1A deficiency. Also called: Carnitine palmitoyltransferase 1A deficiency; CPT deficiency, hepatic, type IA; Carnitine palmitoyltransferase type I deficiency; CPT I DEFICIENCY; CPT DEFICIENCY, HEPATIC, TYPE I. Identifiers: Orphanet 156, MedGen C1829703, MONDO:0009705, OMIM 255120.

Allele frequency attached by ClinVar (database versions not stated): TOPMed 0.00001; gnomAD 0.00003.
gnomAD v4.1: 2 of 1,611,232 alleles (0.00012%); highest among the groups gnomAD compares: Admixed American, 0.0033%; no homozygotes.

Submissions (5):

GeneDx
Classification: Uncertain significance. Last evaluated: 2024-11-03. Review status: criteria provided, single submitter. Criteria: GeneDx Variant Classification Process June 2021. Collection method: clinical testing. Allele origin: germline. Affected: yes.
Comment: In silico analysis supports that this missense variant has a deleterious effect on protein structure/function; This variant is associated with the following publications: (PMID: 34233743, 23566841, 15110323)

Labcorp Genetics (formerly Invitae), Labcorp
Classification: Uncertain significance for Carnitine palmitoyl transferase 1A deficiency. Last evaluated: 2021-09-01. Review status: criteria provided, single submitter. Criteria: Invitae Variant Classification Sherloc (09022015). Collection method: clinical testing. Allele origin: germline.
Comment: This sequence change replaces arginine with glycine at codon 316 of the CPT1A protein (p.Arg316Gly). The arginine residue is highly conserved and there is a moderate physicochemical difference between arginine and glycine. This variant is not present in population databases (ExAC no frequency). This missense change has been observed in individual(s) with carnitine palmitoyltransferase 1A deficiency (PMID: 15110323). ClinVar contains an entry for this variant (Variation ID: 65659). Algorithms developed to predict the effect of missense changes on protein structure and function are either unavailable or do not agree on the potential impact of this missense change (SIFT: "Deleterious"; PolyPhen-2: "Probably Damaging"; Align-GVGD: "Class C0"). In summary, the available evidence is currently insufficient to determine the role of this variant in disease. Therefore, it has been classified as a Variant of Uncertain Significance.

Eurofins Ntd Llc (ga)
Classification: Uncertain significance. Last evaluated: 2015-07-07. Review status: criteria provided, single submitter. Criteria: EGL Classification Definitions 2015. Collection method: clinical testing. Allele origin: germline. Observed: 2 variant alleles, 2 heterozygotes.

Natera, Inc.
Classification: Uncertain significance for Carnitine palmitoyltransferase type I deficiency. Last evaluated: 2020-02-27. Review status: no assertion criteria provided. Collection method: clinical testing. Allele origin: germline. Not counted in ClinVar's aggregate classification.

GeneReviews
No classification provided. Condition: Carnitine palmitoyl transferase 1A deficiency. Review status: no classification provided. Collection method: literature only. Allele origin: germline. Not counted in ClinVar's aggregate classification.

Literature cited by the submitters: PubMed 15110323 (cited by Labcorp Genetics (formerly Invitae), Labcorp and Eurofins Ntd Llc (ga)); NCBI Bookshelf NBK1527 (cited by GeneReviews).

NM_001876.4(CPT1A):c.946C>G (p.Arg316Gly)

Gene: CPT1A (carnitine palmitoyltransferase 1A; minus strand). Cytogenetic location: 11q13.3.
Variant type: single nucleotide variant.
Coding change: c.946C>G on transcript NM_001876.4 (MANE Select); coding-DNA position 946, C replaced by G.
Protein change: p.Arg316Gly; replaces arginine 316 with glycine.
Molecular consequence: missense variant.
Genome position (GRCh38, 1-based): chr11:68,793,336, G>C on the plus strand (C>G on the coding strand, the complement: CPT1A is on the minus strand). VCF-style: chr11-68793336-G-C. GRCh37 (hg19) VCF-style: chr11-68560804-G-C.
Other names: c.946C>G, p.Arg316Gly (NM_001031847.3); short protein forms R316G.
Identifiers: ClinVar variation 65659 (VCV000065659.18), dbSNP rs80356796, ClinGen allele CA344991.